The following is an entry in ClinVar:

NM_007055.4(POLR3A):c.3284C>T (p.Ala1095Val)

Genes: POLR3A (RNA polymerase III subunit A; minus strand), LOC126860970 (BRD4-independent group 4 enhancer GRCh37_chr10:79743812-79745011; plus strand). Cytogenetic location: 10q22.3.
Variant type: single nucleotide variant.
Coding change: c.3284C>T on transcript NM_007055.4 (MANE Select); coding-DNA position 3284, C replaced by T.
Protein change: p.Ala1095Val; replaces alanine 1095 with valine.
Molecular consequence: missense variant.
Genome position (GRCh38, 1-based): chr10:77,984,257, G>A on the plus strand (C>T on the coding strand, the complement: POLR3A is on the minus strand). VCF-style: chr10-77984257-G-A. GRCh37 (hg19) VCF-style: chr10-79744015-G-A.
Other names: short protein forms A1095V.
Identifiers: ClinVar variation 2427809 (VCV002427809.5), dbSNP rs753401810, ClinGen allele CA5570885.

ClinVar aggregate classification (germline): Uncertain significance. Review status: criteria provided, multiple submitters, no conflicts (2 of 4 stars). 2 submissions from 2 submitters: Uncertain significance (2). Last evaluated 2023-07-13.

Allele frequency attached by ClinVar (database versions not stated): ExAC 0.00002; gnomAD 0.00003; gnomAD exomes 0.00003; TOPMed 0.00004.
gnomAD v4.1: 53 of 1,613,218 alleles (0.0033%); highest among the groups gnomAD compares: East Asian, 0.025%; no homozygotes.

Submissions (2):

Blueprint Genetics
Classification: Uncertain significance. Last evaluated: 2023-07-13. Review status: criteria provided, single submitter. Criteria: ACMG Guidelines, 2015. Collection method: clinical testing. Allele origin: germline.

Labcorp Genetics (formerly Invitae), Labcorp
Classification: Uncertain significance. Last evaluated: 2022-09-22. Review status: criteria provided, single submitter. Criteria: Invitae Variant Classification Sherloc (09022015). Collection method: clinical testing. Allele origin: germline.
Comment: This sequence change replaces alanine, which is neutral and non-polar, with valine, which is neutral and non-polar, at codon 1095 of the POLR3A protein (p.Ala1095Val). This variant is present in population databases (rs753401810, gnomAD 0.03%). This variant has not been reported in the literature in individuals affected with POLR3A-related conditions. Advanced modeling of protein sequence and biophysical properties (such as structural, functional, and spatial information, amino acid conservation, physicochemical variation, residue mobility, and thermodynamic stability) performed at Invitae indicates that this missense variant is not expected to disrupt POLR3A protein function. In summary, the available evidence is currently insufficient to determine the role of this variant in disease. Therefore, it has been classified as a Variant of Uncertain Significance.